The following is an entry in ClinVar:

ClinVar aggregate classification (germline): Uncertain significance. Review status: criteria provided, multiple submitters, no conflicts (2 of 4 stars). 2 submissions from 2 submitters: Uncertain significance (2). Last evaluated 2025-06-24.

Conditions:
Inborn genetic diseases. Identifiers: MedGen C0950123, MeSH D030342.
ALG9 congenital disorder of glycosylation (CDG1L). Also called: CDG Il; CONGENITAL DISORDER OF GLYCOSYLATION, TYPE Il; ALG9-CDG. Identifiers: Orphanet 79328, MedGen C2931006, MONDO:0012117, OMIM 608776.

Allele frequency attached by ClinVar (database versions not stated): gnomAD exomes below 0.00001 and 0.00005; gnomAD 0.00001; TOPMed 0.00001; ExAC 0.00002; ESP Exome Variant Server 0.00015.
gnomAD v4.1: 79 of 1,614,106 alleles (0.0049%); highest among the groups gnomAD compares: Non-Finnish European, 0.0066%; no homozygotes.

Submissions (2):

Ambry Genetics
Classification: Uncertain significance for Inborn genetic diseases. Last evaluated: 2025-06-24. Review status: criteria provided, single submitter. Criteria: Ambry Variant Classification Scheme 2023. Collection method: clinical testing. Allele origin: germline.

Labcorp Genetics (formerly Invitae), Labcorp
Classification: Uncertain significance for ALG9 congenital disorder of glycosylation. Last evaluated: 2022-05-12. Review status: criteria provided, single submitter. Criteria: Invitae Variant Classification Sherloc (09022015). Collection method: clinical testing. Allele origin: germline.
Comment: In summary, the available evidence is currently insufficient to determine the role of this variant in disease. Therefore, it has been classified as a Variant of Uncertain Significance. Algorithms developed to predict the effect of missense changes on protein structure and function are either unavailable or do not agree on the potential impact of this missense change (SIFT: "Deleterious"; PolyPhen-2: "Possibly Damaging"; Align-GVGD: "Class C0"). This variant has not been reported in the literature in individuals affected with ATP6V0A2-related conditions. This variant is present in population databases (rs201857139, gnomAD 0.002%). This sequence change replaces lysine, which is basic and polar, with glutamic acid, which is acidic and polar, at codon 374 of the ATP6V0A2 protein (p.Lys374Glu).

NM_012463.4(ATP6V0A2):c.1120A>G (p.Lys374Glu)

Gene: ATP6V0A2 (ATPase H+ transporting V0 subunit a2; plus strand). Cytogenetic location: 12q24.31.
Variant type: single nucleotide variant.
Coding change: c.1120A>G on transcript NM_012463.4 (MANE Select); coding-DNA position 1120, A replaced by G.
Protein change: p.Lys374Glu; replaces lysine 374 with glutamic acid.
Molecular consequence: missense variant.
Genome position (GRCh38, 1-based): chr12:123,743,866, A>G. VCF-style: chr12-123743866-A-G. GRCh37 (hg19) VCF-style: chr12-124228413-A-G.
Other names: c.1120A>G (NM_012463.3); short protein forms K374E.
Identifiers: ClinVar variation 1523006 (VCV001523006.8), dbSNP rs201857139, ClinGen allele CA6861850.
Genomic context (GRCh38, chr12:123,743,866, plus strand): 5'-CCCTCATTCATGAATATAATCCCCACAAAAGAAACACCCCCCACTCGGATCCGCACCAAC[A>G]AATTCACCGAGGGATTTCAGAACATCGTGGATGCTTATGGAGTCGGAAGCTACAGAGAAG-3'
Protein context (NP_036595.2, residues 364-384): ETPPTRIRTN[Lys374Glu]FTEGFQNIVD